The following is an entry in ClinVar:

ClinVar aggregate classification (germline): Benign. Review status: criteria provided, multiple submitters, no conflicts (2 of 4 stars). 5 submissions from 5 submitters: Benign (5). Last evaluated 2019-10-28.

Conditions:
Hecht syndrome (DA7). Also called: MOUTH, INABILITY TO OPEN COMPLETELY, AND SHORT FINGER-FLEXOR TENDONS; Dutch-Kentucky syndrome. Identifiers: Orphanet 3377, MedGen C0265226, MONDO:0008016, OMIM 158300. Disease mechanism: gain of function.

Allele frequency attached by ClinVar (database versions not stated): TOPMed 0.04920; gnomAD 0.05000 and 0.05191; 1000 Genomes Project 30x 0.05387; ESP Exome Variant Server 0.05521; 1000 Genomes Project 0.05591; ExAC 0.05703.
gnomAD v4.1: 91,709 of 1,613,586 alleles (5.7%); highest among the groups gnomAD compares: South Asian, 11%; 3,012 homozygotes.

Submissions (5):

GeneDx
Classification: Benign. Last evaluated: 2019-10-28. Review status: criteria provided, single submitter. Criteria: GeneDx Variant Classification Process June 2021. Collection method: clinical testing. Allele origin: germline. Affected: yes.

Illumina Laboratory Services, Illumina
Classification: Benign for Hecht syndrome. Last evaluated: 2018-01-12. Review status: criteria provided, single submitter. Criteria: ICSL Variant Classification Criteria 13 December 2019. Collection method: clinical testing. Allele origin: germline.
Comment: This variant was observed in the ICSL laboratory as part of a predisposition screen in an ostensibly healthy population. It had not been previously curated by ICSL or reported in the Human Gene Mutation Database (HGMD: prior to June 1st, 2018), and was therefore a candidate for classification through an automated scoring system. Utilizing variant allele frequency, disease prevalence and penetrance estimates, and inheritance mode, an automated score was calculated to assess if this variant is too frequent to cause the disease. Based on the score and internal cut-off values, a variant classified as benign is not then subjected to further curation. The score for this variant resulted in a classification of benign for this disease.

Genetic Services Laboratory, University of Chicago
Classification: Benign for AllHighlyPenetrant. Last evaluated: 2013-08-15. Review status: criteria provided, single submitter. Criteria: ACMG Guidelines, 2007. Collection method: clinical testing. Allele origin: germline. Inheritance: Autosomal dominant inheritance.

Breakthrough Genomics
Classification: Benign. Review status: criteria provided, single submitter. Criteria: ACMG Guidelines, 2015. Collection method: not provided. Allele origin: germline. Inheritance: Autosomal dominant inheritance. Affected: yes.

PreventionGenetics, part of Exact Sciences
Classification: Benign. Review status: criteria provided, single submitter. Criteria: ACMG Guidelines, 2015. Collection method: clinical testing. Allele origin: germline.

NM_002472.3(MYH8):c.2016C>T (p.Phe672=)

Genes: MYH8 (myosin heavy chain 8; minus strand), MYHAS (myosin heavy chain gene cluster antisense RNA; plus strand). Cytogenetic location: 17p13.1.
Variant type: single nucleotide variant.
Coding change: c.2016C>T on transcript NM_002472.3 (MANE Select); coding-DNA position 2016, C replaced by T.
Protein change: p.Phe672=; no amino-acid change (phenylalanine 672 retained).
Molecular consequence: synonymous variant.
Genome position (GRCh38, 1-based): chr17:10,406,929, G>A on the plus strand (C>T on the coding strand, the complement: MYH8 is on the minus strand). VCF-style: chr17-10406929-G-A. GRCh37 (hg19) VCF-style: chr17-10310246-G-A.
Identifiers: ClinVar variation 129672 (VCV000129672.12), dbSNP rs12936716, ClinGen allele CA153818.